The following is an entry in ClinVar:

ClinVar aggregate classification (germline): Uncertain significance (1 of 4 stars; one submission).

Allele frequency attached by ClinVar (database versions not stated): gnomAD exomes 0.00006 and 0.00012; ExAC 0.00013; gnomAD 0.00032 and 0.00036; TOPMed 0.00032; 1000 Genomes Project 0.00040; ESP Exome Variant Server 0.00046; 1000 Genomes Project 30x 0.00047.
gnomAD v4.1: 143 of 1,614,054 alleles (0.0089%); highest among the groups gnomAD compares: African/African-American, 0.11%; no homozygotes.

Submission:

Labcorp Genetics (formerly Invitae), Labcorp
Classification: Uncertain significance. Last evaluated: 2025-05-19. Review status: criteria provided, single submitter. Criteria: Invitae Variant Classification Sherloc (09022015). Collection method: clinical testing. Allele origin: germline.
Comment: This sequence change replaces glycine, which is neutral and non-polar, with arginine, which is basic and polar, at codon 391 of the IL12RB2 protein (p.Gly391Arg). This variant is present in population databases (rs143623866, gnomAD 0.2%), and has an allele count higher than expected for a pathogenic variant. This variant has not been reported in the literature in individuals affected with IL12RB2-related conditions. ClinVar contains an entry for this variant (Variation ID: 1379933). An algorithm developed to predict the effect of missense changes on protein structure and function (PolyPhen-2) suggests that this variant is likely to be disruptive. In summary, the available evidence is currently insufficient to determine the role of this variant in disease. Therefore, it has been classified as a Variant of Uncertain Significance.

NM_001374259.2(IL12RB2):c.1171G>A (p.Gly391Arg)

Gene: IL12RB2 (interleukin 12 receptor subunit beta 2; plus strand). Cytogenetic location: 1p31.3.
Variant type: single nucleotide variant.
Coding change: c.1171G>A on transcript NM_001374259.2 (MANE Select); coding-DNA position 1171, G replaced by A.
Protein change: p.Gly391Arg; replaces glycine 391 with arginine.
Molecular consequence: missense variant. On other transcripts: non-coding transcript variant (2).
Genome position (GRCh38, 1-based): chr1:67,351,002, G>A. VCF-style: chr1-67351002-G-A. GRCh37 (hg19) VCF-style: chr1-67816685-G-A.
Other names: c.1171G>A, p.Gly391Arg (NM_001258214.1, NM_001258215.1, NM_001258216.1 and 2 more transcripts); short protein forms G391R.
Identifiers: ClinVar variation 1379933 (VCV001379933.8), dbSNP rs143623866, ClinGen allele CA900419.
Genomic context (GRCh38, chr1:67,351,002, plus strand): 5'-AAAGCCATGACACAGAACATCACAGGACACACCTCCTGGACCACAGTCATTCCTAGAACC[G>A]GAAATTGGGCTGTGGCTGTGTCTGCAGCAAATTCAAAAGGCAGTTCTCTGCCCACTCGTA-3'
Protein context (NP_001361188.1, residues 381-401): TSWTTVIPRT[Gly391Arg]NWAVAVSAAN